The following is an entry in ClinVar:

ClinVar aggregate classification (germline): Uncertain significance. Review status: criteria provided, multiple submitters, no conflicts (2 of 4 stars). 3 submissions from 3 submitters: Uncertain significance (3). Last evaluated 2024-11-25.

Conditions:
Cardiovascular phenotype. Identifiers: MedGen CN230736.
Brugada syndrome 2 (BRGDA2). Identifiers: Orphanet 130, MedGen C2673193, MONDO:0012728, OMIM 611777.
Brugada syndrome. Also called: Sudden unexplained nocturnal death syndrome; Sudden Unexplained Death Syndrome; Sudden Unexplained Nocturnal Death Syndrome (SUNDS); Sudden unexpected nocturnal death syndrome. Identifiers: Orphanet 130, MedGen C1142166, MONDO:0015263.

Allele frequency attached by ClinVar (database versions not stated): TOPMed 0.00002; gnomAD 0.00003.
gnomAD v4.1: 4 of 1,613,976 alleles (0.00025%); highest among the groups gnomAD compares: African/African-American, 0.0013%; no homozygotes.

Submissions (3):

Labcorp Genetics (formerly Invitae), Labcorp
Classification: Uncertain significance for Brugada syndrome. Last evaluated: 2024-11-25. Review status: criteria provided, single submitter. Criteria: Invitae Variant Classification Sherloc (09022015). Collection method: clinical testing. Allele origin: germline.
Comment: This sequence change affects a donor splice site in intron 4 of the GPD1L gene. It is expected to disrupt RNA splicing. Variants that disrupt the donor or acceptor splice site typically lead to a loss of protein function (PMID: 16199547), however the current clinical and genetic evidence is not sufficient to establish whether loss-of-function variants in GPD1L cause disease. This variant is not present in population databases (gnomAD no frequency). This variant has not been reported in the literature in individuals affected with GPD1L-related conditions. ClinVar contains an entry for this variant (Variation ID: 809441). Algorithms developed to predict the effect of sequence changes on RNA splicing suggest that this variant may disrupt the consensus splice site. In summary, the available evidence is currently insufficient to determine the role of this variant in disease. Therefore, it has been classified as a Variant of Uncertain Significance.

Ambry Genetics
Classification: Uncertain significance for Cardiovascular phenotype. Last evaluated: 2024-01-03. Review status: criteria provided, single submitter. Criteria: Ambry Variant Classification Scheme 2023. Collection method: clinical testing. Allele origin: germline.
Comment: The c.505+2T>G intronic variant results from a T to G substitution two nucleotides after coding exon 4 in the GPD1L gene. This nucleotide position is highly conserved in available vertebrate species. In silico splice site analysis predicts that this alteration will weaken the native splice donor site. Alterations that disrupt the canonical splice site are expected to cause aberrant splicing, resulting in an abnormal protein or a transcript that is subject to nonsense-mediated mRNA decay. However, loss of function of GPD1L has not been established as a mechanism of disease. The evidence for this gene-disease relationship is limited; therefore, the clinical significance of this alteration is unclear.

Fulgent Genetics
Classification: Uncertain significance for Brugada syndrome 2. Last evaluated: 2021-09-17. Review status: criteria provided, single submitter. Criteria: ACMG Guidelines, 2015. Collection method: clinical testing. Allele origin: unknown.

Literature cited by the submitters: PubMed 16199547 (cited by Labcorp Genetics (formerly Invitae), Labcorp).

NM_015141.4(GPD1L):c.505+2T>G

Gene: GPD1L (glycerol-3-phosphate dehydrogenase 1 like; plus strand). Cytogenetic location: 3p22.3.
Variant type: single nucleotide variant.
Coding change: c.505+2T>G on transcript NM_015141.4 (MANE Select); the canonical splice donor site of the intron after coding-DNA position 505, T replaced by G.
Molecular consequence: splice donor variant.
Genome position (GRCh38, 1-based): chr3:32,140,368, T>G. VCF-style: chr3-32140368-T-G. GRCh37 (hg19) VCF-style: chr3-32181860-T-G.
Other names: c.505+2T>G (NM_015141.3).
Identifiers: ClinVar variation 809441 (VCV000809441.21), dbSNP rs943929226, ClinGen allele CA72568550.